The following is an entry in ClinVar:

NM_032656.4(DHX37):c.47C>A (p.Ala16Glu)

Genes: DHX37 (DEAH-box helicase 37; minus strand), LOC130009166 (ATAC-STARR-seq lymphoblastoid silent region 5073; plus strand). Cytogenetic location: 12q24.31.
Variant type: single nucleotide variant.
Coding change: c.47C>A on transcript NM_032656.4 (MANE Select); coding-DNA position 47, C replaced by A.
Protein change: p.Ala16Glu; replaces alanine 16 with glutamic acid.
Molecular consequence: missense variant.
Genome position (GRCh38, 1-based): chr12:124,988,976, G>T on the plus strand (C>A on the coding strand, the complement: DHX37 is on the minus strand). VCF-style: chr12-124988976-G-T. GRCh37 (hg19) VCF-style: chr12-125473522-G-T.
Other names: short protein forms A16E.
Identifiers: ClinVar variation 3681170 (VCV003681170.2).

ClinVar aggregate classification (germline): Uncertain significance (1 of 4 stars; one submission).

gnomAD v4.1: 11 of 1,354,432 alleles (0.00081%); highest among the groups gnomAD compares: Non-Finnish European, 0.0011%; no homozygotes.

Submission:

Labcorp Genetics (formerly Invitae), Labcorp
Classification: Uncertain significance. Last evaluated: 2025-03-09. Review status: criteria provided, single submitter. Criteria: Invitae Variant Classification Sherloc (09022015). Collection method: clinical testing. Allele origin: germline.
Comment: This sequence change replaces alanine, which is neutral and non-polar, with glutamic acid, which is acidic and polar, at codon 16 of the DHX37 protein (p.Ala16Glu). The frequency data for this variant in the population databases is considered unreliable, as metrics indicate poor data quality at this position in the gnomAD database. This variant has not been reported in the literature in individuals affected with DHX37-related conditions. An algorithm developed to predict the effect of missense changes on protein structure and function (PolyPhen-2) suggests that this variant is likely to be tolerated. In summary, the available evidence is currently insufficient to determine the role of this variant in disease. Therefore, it has been classified as a Variant of Uncertain Significance.